The following is an entry in ClinVar:

ClinVar aggregate classification (germline): Uncertain significance (1 of 4 stars; one submission).

Submission:

Labcorp Genetics (formerly Invitae), Labcorp
Classification: Uncertain significance. Last evaluated: 2025-01-26. Review status: criteria provided, single submitter. Criteria: Invitae Variant Classification Sherloc (09022015). Collection method: clinical testing. Allele origin: germline.
Comment: This variant, c.1522_1524del, results in the deletion of 1 amino acid(s) of the MBD4 protein (p.Leu508del), but otherwise preserves the integrity of the reading frame. This variant is not present in population databases (gnomAD no frequency). This variant has not been reported in the literature in individuals affected with MBD4-related conditions. Experimental studies and prediction algorithms are not available or were not evaluated, and the functional significance of this variant is currently unknown. In summary, the available evidence is currently insufficient to determine the role of this variant in disease. Therefore, it has been classified as a Variant of Uncertain Significance.

NM_001276270.2(MBD4):c.1504_1506del (p.Leu502del)

Gene: MBD4 (methyl-CpG binding domain 4, DNA glycosylase; minus strand). Cytogenetic location: 3q21.3.
Variant type: Deletion.
Coding change: c.1504_1506del on transcript NM_001276270.2 (MANE Select); coding-DNA positions 1504 to 1506, 3 bases deleted (CTC; older notation c.1504_1506delCTC).
Protein change: p.Leu502del; deletes leucine 502.
Genome position (GRCh38, 1-based): chr3:129,433,135-129,433,137, GAG deleted on the plus strand (CTC on the coding strand, the reverse complement: MBD4 is on the minus strand). VCF-style (leftmost placement, unchanged base first): chr3-129433134-AGAG-A. GRCh37 (hg19) VCF-style: chr3-129151977-AGAG-A.
Other names: c.1522_1524del, p.Leu508del (NM_001276271.2, NM_001276272.2, NM_003925.3); c.568_570del, p.Leu190del (NM_001276273.2); short protein forms L508del, L190del, L502del.
Identifiers: ClinVar variation 3673013 (VCV003673013.2).
Genomic context (GRCh38, chr3:129,433,134, plus strand): 5'-TCCTTTGGGTGTATAGGAAAATACCTGAGAACTTGACAATGGTTTTTGCCCGAAGATCGT[AGAG>A]ACCAAGAGGTTTAAGAAGTTCTGACACATCTCTCCAGTCTGCGGTTCTTGCTACCTCAGC-3'